The following is an entry in ClinVar:

NM_000038.6(APC):c.2151G>C (p.Met717Ile)

Gene: APC (APC regulator of Wnt signaling pathway; plus strand). Cytogenetic location: 5q22.2.
Variant type: single nucleotide variant.
Coding change: c.2151G>C on transcript NM_000038.6 (MANE Select); coding-DNA position 2151, G replaced by C.
Protein change: p.Met717Ile; replaces methionine 717 with isoleucine.
Molecular consequence: missense variant.
Genome position (GRCh38, 1-based): chr5:112,837,745, G>C. VCF-style: chr5-112837745-G-C. GRCh37 (hg19) VCF-style: chr5-112173442-G-C.
Other names: c.2151G>C, p.Met717Ile (NM_001127510.3, NM_001354895.2); c.2097G>C, p.Met699Ile (NM_001127511.3); c.2205G>C, p.Met735Ile (NM_001354896.2); c.2181G>C, p.Met727Ile (NM_001354897.2); c.2076G>C, p.Met692Ile (NM_001354898.2); c.2067G>C, p.Met689Ile (NM_001354899.2); c.2028G>C, p.Met676Ile (NM_001354900.2); c.1974G>C, p.Met658Ile (NM_001354901.2); and 5 more; short protein forms M699I, M717I, M727I, M735I, M434I, M557I, M591I, M616I.
Identifiers: ClinVar variation 1692590 (VCV001692590.1), dbSNP rs547109594, ClinGen allele CA16026040.

ClinVar aggregate classification (germline): Uncertain significance (1 of 4 stars; one submission).

Conditions:
Hereditary cancer-predisposing syndrome. Also called: Hereditary Cancer Syndrome; Hereditary neoplastic syndrome; Neoplastic Syndromes, Hereditary; Tumor predisposition. Identifiers: Orphanet 140162, MedGen C0027672, MeSH D009386, MONDO:0015356.

Submission:

Sema4
Classification: Uncertain significance for Hereditary cancer-predisposing syndrome. Last evaluated: 2022-02-15. Review status: criteria provided, single submitter. Criteria: Sema4 Curation Guidelines. Collection method: curation. Allele origin: germline.
Comment: The APC c.2151G>C (p.M717I) variant has not been reported in the literature to our knowledge. It was not reported in the large and broad cohorts of the Genome Aggregation Database (PMID: 32461654). This variant has not been reported in ClinVar. Functional studies have not been performed, and in silico predictions of the variant's effect on protein function are inconclusive. The evidence is insufficient to meet ACMG/AMP criteria for classifying the variant as benign or pathogenic. Thus, the clinical significance of this variant is currently uncertain.